The following is an entry in ClinVar:

ClinVar aggregate classification (germline): Likely benign (0 of 4 stars; one submission).

Conditions:
CYP2C8-related disorder. Also called: CYP2C8-related condition.

Allele frequency attached by ClinVar (database versions not stated): ExAC 0.00062; gnomAD 0.00131; TOPMed 0.00150; ESP Exome Variant Server 0.00169; 1000 Genomes Project 0.00260; 1000 Genomes Project 30x 0.00297.
gnomAD v4.1: 468 of 1,614,070 alleles (0.029%); highest among the groups gnomAD compares: African/African-American, 0.44%; 1 homozygote.

Submission:

PreventionGenetics, part of Exact Sciences
Classification: Likely benign for CYP2C8-related condition. Last evaluated: 2019-10-04. Review status: no assertion criteria provided. Collection method: clinical testing. Allele origin: germline.
Comment: This variant is classified as likely benign based on ACMG/AMP sequence variant interpretation guidelines (Richards et al. 2015 PMID: 25741868, with internal and published modifications).

NM_000770.3(CYP2C8):c.1093G>A (p.Gly365Ser)

Gene: CYP2C8 (cytochrome P450 family 2 subfamily C member 8; minus strand). Cytogenetic location: 10q23.33.
Variant type: single nucleotide variant.
Coding change: c.1093G>A on transcript NM_000770.3 (MANE Select); coding-DNA position 1093, G replaced by A.
Protein change: p.Gly365Ser; replaces glycine 365 with serine.
Molecular consequence: missense variant.
Genome position (GRCh38, 1-based): chr10:95,042,946, C>T on the plus strand (G>A on the coding strand, the complement: CYP2C8 is on the minus strand). VCF-style: chr10-95042946-C-T. GRCh37 (hg19) VCF-style: chr10-96802703-C-T.
Other names: c.883G>A, p.Gly295Ser (NM_001198853.1, NM_001198855.1); c.787G>A, p.Gly263Ser (NM_001198854.1); short protein forms G263S, G295S, G365S.
Identifiers: ClinVar variation 3049531 (VCV003049531.2), dbSNP rs77147096, ClinGen allele CA5617578.